The following is an entry in ClinVar:

ClinVar aggregate classification (germline): Pathogenic/Likely pathogenic. Review status: criteria provided, multiple submitters, no conflicts (2 of 4 stars). 5 submissions from 5 submitters: Pathogenic (2); Likely pathogenic (3). Last evaluated 2025-03-11.

Conditions:
WDR35-related disorder. Also called: WDR35-related disorders; WDR35-related condition. Identifiers: MedGen CN239419.
Short-rib thoracic dysplasia 7 with or without polydactyly (SRTD7). Also called: Short rib polydactyly syndrome 5; SHORT-RIB THORACIC DYSPLASIA 7 WITH POLYDACTYLY. Identifiers: Orphanet 498497, Orphanet 93271, MedGen C3279792, MONDO:0013569, OMIM 614091.
Cranioectodermal dysplasia 2 (CED2). Identifiers: Orphanet 1515, MedGen C3150874, MONDO:0013323, OMIM 613610.

Allele frequency attached by ClinVar (database versions not stated): gnomAD exomes 0.00002 and 0.00004; ExAC 0.00003; ESP Exome Variant Server 0.00015; 1000 Genomes Project 30x 0.00016; 1000 Genomes Project 0.00020; TOPMed 0.00021; gnomAD 0.00023 and 0.00024.
gnomAD v4.1: 64 of 1,613,744 alleles (0.004%); highest among the groups gnomAD compares: African/African-American, 0.072%; no homozygotes.

Submissions (5):

PreventionGenetics, part of Exact Sciences
Classification: Pathogenic for WDR35-related condition. Last evaluated: 2025-03-11. Review status: criteria provided, single submitter. Criteria: ACMG Guidelines, 2015. Collection method: clinical testing. Allele origin: germline.
Comment: The WDR35 c.1723C>T variant is predicted to result in premature protein termination (p.Arg575*). To our knowledge, this variant has not been reported in the literature. This variant is reported in 0.088% of alleles in individuals of African descent in gnomAD. Nonsense variants in WDR35 are expected to be pathogenic. This variant is interpreted as pathogenic.

Labcorp Genetics (formerly Invitae), Labcorp
Classification: Pathogenic for Cranioectodermal dysplasia 2; Short-rib thoracic dysplasia 7 with or without polydactyly. Last evaluated: 2024-12-04. Review status: criteria provided, single submitter. Criteria: Invitae Variant Classification Sherloc (09022015). Collection method: clinical testing. Allele origin: germline.
Comment: This sequence change creates a premature translational stop signal (p.Arg575*) in the WDR35 gene. It is expected to result in an absent or disrupted protein product. Loss-of-function variants in WDR35 are known to be pathogenic (PMID: 22486404, 29068549). This variant is present in population databases (rs367810877, gnomAD 0.08%). This variant has not been reported in the literature in individuals affected with WDR35-related conditions. ClinVar contains an entry for this variant (Variation ID: 1075625). Algorithms developed to predict the effect of sequence changes on RNA splicing suggest that this variant may disrupt the consensus splice site. For these reasons, this variant has been classified as Pathogenic.

Fulgent Genetics
Classification: Likely pathogenic for Cranioectodermal dysplasia 2; Short-rib thoracic dysplasia 7 with or without polydactyly. Last evaluated: 2023-12-30. Review status: criteria provided, single submitter. Criteria: ACMG Guidelines, 2015. Collection method: clinical testing. Allele origin: germline.

Blueprint Genetics
Classification: Likely pathogenic for WDR35-related disorders. Last evaluated: 2023-10-21. Review status: criteria provided, single submitter. Criteria: ACMG Guidelines, 2015. Collection method: clinical testing. Allele origin: germline. Affected: yes. Observed: 4 variant alleles.

GeneDx
Classification: Likely pathogenic. Last evaluated: 2022-07-15. Review status: criteria provided, single submitter. Criteria: GeneDx Variant Classification Process June 2021. Collection method: clinical testing. Allele origin: germline. Affected: yes.
Comment: Nonsense variant predicted to result in protein truncation or nonsense mediated decay in a gene for which loss-of-function is a known mechanism of disease; Has not been previously published as pathogenic or benign to our knowledge

Literature cited by the submitters: PubMed 22486404 (cited by Labcorp Genetics (formerly Invitae), Labcorp); PubMed 29068549 (cited by Labcorp Genetics (formerly Invitae), Labcorp).

NM_020779.4(WDR35):c.1690C>T (p.Arg564Ter)

Gene: WDR35 (WD repeat domain 35; minus strand). Cytogenetic location: 2p24.1.
Variant type: single nucleotide variant.
Coding change: c.1690C>T on transcript NM_020779.4 (MANE Select); coding-DNA position 1690, C replaced by T.
Protein change: p.Arg564Ter; replaces arginine 564 with a stop codon.
Molecular consequence: nonsense.
Genome position (GRCh38, 1-based): chr2:19,945,941, G>A on the plus strand (C>T on the coding strand, the complement: WDR35 is on the minus strand). VCF-style: chr2-19945941-G-A. GRCh37 (hg19) VCF-style: chr2-20145702-G-A.
Other names: c.1723C>T, p.Arg575Ter (NM_001006657.2); short protein forms R564*, R575*.
Identifiers: ClinVar variation 1075625 (VCV001075625.11), dbSNP rs367810877, ClinGen allele CA1543133.